The following is an entry in ClinVar:

ClinVar aggregate classification (germline): Benign (1 of 4 stars; one submission).

Allele frequency attached by ClinVar (database versions not stated): gnomAD exomes 0.43065; 1000 Genomes Project 0.53634; gnomAD 0.53641; 1000 Genomes Project 30x 0.54372; TOPMed 0.55192.
gnomAD v4.1: 694,373 of 1,573,126 alleles (44%); highest among the groups gnomAD compares: African/African-American, 86%; 161,817 homozygotes.

Submission:

Unidad de Genómica Garrahan, Hospital de Pediatría Garrahan
Classification: Benign. Last evaluated: 2024-01-24. Review status: criteria provided, single submitter. Criteria: ACMG Guidelines, 2015. Collection method: clinical testing. Allele origin: germline. Affected: no. Observed: 58 variant alleles.
Comment: This variant is classified as Benign based on local population frequency. This variant was detected in 61% of patients studied by a panel of primary immunodeficiencies. Number of patients: 58. Only high quality variants are reported.

NM_030930.4(UNC93B1):c.906+90A>G

Genes: UNC93B1 (unc-93 homolog B1, TLR signaling regulator; minus strand), LOC121832795 (Sharpr-MPRA regulatory region 11646; plus strand). Cytogenetic location: 11q13.2.
Variant type: single nucleotide variant.
Coding change: c.906+90A>G on transcript NM_030930.4 (MANE Select); 90 bases into the intron after coding-DNA position 906, A replaced by G.
Molecular consequence: intron variant.
Genome position (GRCh38, 1-based): chr11:67,997,585, T>C on the plus strand (A>G on the coding strand, the complement: UNC93B1 is on the minus strand). VCF-style: chr11-67997585-T-C. GRCh37 (hg19) VCF-style: chr11-67765056-T-C.
Identifiers: ClinVar variation 2688062 (VCV002688062.2), dbSNP rs308328, ClinGen allele CA13462891.
Genomic context (GRCh38, chr11:67,997,585, plus strand): 5'-AACTCAGATCGCGCTCCCAGGCCTACGGCCTGCCCCGAGGCCACAACCCGACCCAGGCCA[T>C]GCCATCCGATCCAGACCCTTTCTCGCAGACTCGGTCCCCAGAACCACACTCTGCTTCACT-3'